The following is an entry in ClinVar:

ClinVar aggregate classification (germline): Uncertain significance (1 of 4 stars; one submission).

Submission:

GeneDx
Classification: Uncertain significance. Last evaluated: 2025-02-24. Review status: criteria provided, single submitter. Criteria: GeneDx Variant Classification Process June 2021. Collection method: clinical testing. Allele origin: germline. Affected: yes.
Comment: Not observed at significant frequency in large population cohorts (gnomAD); In silico analysis indicates that this missense variant does not alter protein structure/function; Has not been previously published as pathogenic or benign to our knowledge

NM_016284.5(CNOT1):c.5496G>T (p.Met1832Ile)

Gene: CNOT1 (CCR4-NOT transcription complex subunit 1; minus strand). Cytogenetic location: 16q21.
Variant type: single nucleotide variant.
Coding change: c.5496G>T on transcript NM_016284.5 (MANE Select); coding-DNA position 5496, G replaced by T.
Protein change: p.Met1832Ile; replaces methionine 1832 with isoleucine.
Molecular consequence: missense variant. On other transcripts: non-coding transcript variant (1).
Genome position (GRCh38, 1-based): chr16:58,537,139, C>A on the plus strand (G>T on the coding strand, the complement: CNOT1 is on the minus strand). VCF-style: chr16-58537139-C-A. GRCh37 (hg19) VCF-style: chr16-58571043-C-A.
Other names: c.5481G>T, p.Met1827Ile (NM_001265612.2); short protein forms M1827I, M1832I.
Identifiers: ClinVar variation 4076536 (VCV004076536.1).
Genomic context (GRCh38, chr16:58,537,139, plus strand): 5'-TGCCTTCTCCCTCAGGCCTGGAGGGTCATCATACTCTGAGGCTTGAGAGATCCCAGAATG[C>A]ATCATAAAGTTTGGGCCTCCATGAGCACGATCAATCATTGCTTCATAGTTGGATCGCACT-3'
Protein context (NP_057368.3, residues 1822-1842): DRAHGGPNFM[Met1832Ile]HSGISQASEY